The following is an entry in ClinVar:

NM_004168.4(SDHA):c.1283_1298del (p.Gln428fs)

Gene: SDHA (succinate dehydrogenase complex flavoprotein subunit A; plus strand). Cytogenetic location: 5p15.33.
Variant type: Deletion.
Coding change: c.1283_1298del on transcript NM_004168.4 (MANE Select); coding-DNA positions 1283 to 1298, 16 bases deleted (AGGATCAGATTGTGCC).
Protein change: p.Gln428fs; shifts the reading frame from glutamine 428.
Molecular consequence: frameshift variant.
Genome position (GRCh38, 1-based): chr5:236,450-236,465, AGGATCAGATTGTGCC deleted; deleting any 16 consecutive bases within chr5:236,447-236,465 gives the same sequence; the c. name uses the placement nearest the transcript's 3' end. VCF-style (leftmost placement, unchanged base first): chr5-236446-GGCCAGGATCAGATTGT-G. GRCh37 (hg19) VCF-style: chr5-236561-GGCCAGGATCAGATTGT-G.
Other names: c.1139_1154del, p.Gln380fs (NM_001294332.2); c.1283_1298del, p.Gln428fs (NM_001330758.2); c.1283_1298del16 (NM_004168.2); c.1283_1298del (NM_004168.2); short protein forms Q380fs, Q428fs.
Identifiers: ClinVar variation 1709506 (VCV001709506.12), dbSNP rs2477374565, ClinGen allele CA891841931.

ClinVar aggregate classification (germline): Pathogenic. Review status: criteria provided, multiple submitters, no conflicts (2 of 4 stars). 6 submissions from 6 submitters: Pathogenic (6). Last evaluated 2024-10-14.

Conditions:
Hereditary cancer-predisposing syndrome. Also called: Hereditary Cancer Syndrome; Hereditary neoplastic syndrome; Neoplastic Syndromes, Hereditary; Tumor predisposition. Identifiers: Orphanet 140162, MedGen C0027672, MeSH D009386, MONDO:0015356.
Dilated cardiomyopathy 1GG (CMD1GG). Identifiers: Orphanet 154, MedGen C3150898, MONDO:0013339, OMIM 613642.
Mitochondrial complex II deficiency, nuclear type 1. Also called: SUCCINATE CoQ REDUCTASE DEFICIENCY. Identifiers: Orphanet 3208, MedGen C5700310, MONDO:0100294, OMIM 252011.
Pheochromocytoma/paraganglioma syndrome 5. Also called: Paragangliomas 5; SDHA-Related Hereditary Paraganglioma-Pheochromocytoma Syndrome. Identifiers: Orphanet 29072, MedGen C3279992, MONDO:0013602, OMIM 614165.

Submissions (6):

Molecular Pathology, Peter Maccallum Cancer Centre
Classification: Pathogenic for Pheochromocytoma/paraganglioma syndrome 5. Last evaluated: 2024-10-14. Review status: criteria provided, single submitter. Criteria: ACMG Guidelines, 2015. Collection method: clinical testing. Allele origin: germline. Inheritance: Autosomal dominant inheritance.

Ambry Genetics
Classification: Pathogenic for Hereditary cancer-predisposing syndrome. Last evaluated: 2023-09-05. Review status: criteria provided, single submitter. Criteria: Ambry Variant Classification Scheme 2023. Collection method: clinical testing. Allele origin: germline.
Comment: The c.1283_1298del16 pathogenic mutation, located in coding exon 10 of the SDHA gene, results from a deletion of 16 nucleotides at nucleotide positions 1283 to 1298, causing a translational frameshift with a predicted alternate stop codon (p.Q428Pfs*37). This alteration is expected to result in loss of function by premature protein truncation or nonsense-mediated mRNA decay. As such, this alteration is interpreted as a disease-causing mutation.

Baylor Genetics
Classification: Pathogenic for Dilated cardiomyopathy 1GG. Last evaluated: 2023-05-03. Review status: criteria provided, single submitter. Criteria: ACMG Guidelines, 2015. Collection method: clinical testing. Allele origin: unknown.

Myriad Genetics, Inc.
Classification: Pathogenic for Pheochromocytoma/paraganglioma syndrome 5. Last evaluated: 2023-01-12. Review status: criteria provided, single submitter. Criteria: Myriad Autosomal Dominant, Autosomal Recessive and X-Linked Classification Criteria (2023). Collection method: clinical testing. Allele origin: unknown.
Comment: This variant is considered pathogenic. This variant creates a frameshift predicted to result in premature protein truncation.

MGZ Medical Genetics Center
Classification: Pathogenic for Pheochromocytoma/paraganglioma syndrome 5. Last evaluated: 2022-06-01. Review status: criteria provided, single submitter. Criteria: ACMG Guidelines, 2015. Collection method: clinical testing. Allele origin: germline. Affected: yes. Observed: 1 variant allele.
Comment: ACMG criteria applied: PVS1, PS4_SUP, PM2_SUP, PP1

Labcorp Genetics (formerly Invitae), Labcorp
Classification: Pathogenic for Pheochromocytoma/paraganglioma syndrome 5; Mitochondrial complex II deficiency, nuclear type 1. Last evaluated: 2021-12-27. Review status: criteria provided, single submitter. Criteria: Invitae Variant Classification Sherloc (09022015). Collection method: clinical testing. Allele origin: germline.
Comment: For these reasons, this variant has been classified as Pathogenic. This premature translational stop signal has been observed in individual(s) with clinical features of paraganglioma-pheochromocytoma syndromes (PMID: 28384794). This variant is not present in population databases (gnomAD no frequency). This sequence change creates a premature translational stop signal (p.Gln428Profs*37) in the SDHA gene. It is expected to result in an absent or disrupted protein product. Loss-of-function variants in SDHA are known to be pathogenic (PMID: 22974104, 24781757).

Literature cited by the submitters: PubMed 28384794 (cited by Ambry Genetics and Labcorp Genetics (formerly Invitae), Labcorp); PubMed 29978154 (cited by Ambry Genetics); PubMed 22974104 (cited by Labcorp Genetics (formerly Invitae), Labcorp); PubMed 24781757 (cited by Labcorp Genetics (formerly Invitae), Labcorp).